The following is an entry in ClinVar:

ClinVar aggregate classification (germline): Conflicting classifications of pathogenicity. Review status: criteria provided, conflicting classifications (1 of 4 stars). 5 submissions from 5 submitters: Uncertain significance (3); Likely benign (2). Last evaluated 2025-09-15.

Conditions:
Inborn genetic diseases. Identifiers: MedGen C0950123, MeSH D030342.
Intellectual developmental disorder, autosomal dominant 1. Also called: Intellectual disability, autosomal dominant 1; MBD5 Haploinsufficiency. Identifiers: Orphanet 228402, MedGen C1969562, MONDO:0007974, OMIM 156200.

Allele frequency attached by ClinVar (database versions not stated): gnomAD exomes 0.00001; TOPMed 0.00002; ExAC 0.00003; gnomAD 0.00003; ESP Exome Variant Server 0.00008.
gnomAD v4.1: 34 of 1,613,776 alleles (0.0021%); highest among the groups gnomAD compares: Non-Finnish European, 0.0026%; no homozygotes.

Submissions (5):

Labcorp Genetics (formerly Invitae), Labcorp
Classification: Likely benign for Intellectual developmental disorder, autosomal dominant 1. Last evaluated: 2025-09-15. Review status: criteria provided, single submitter. Criteria: Invitae Variant Classification Sherloc (09022015). Collection method: clinical testing. Allele origin: germline.

Revvity Omics, Revvity
Classification: Uncertain significance. Last evaluated: 2022-08-11. Review status: criteria provided, single submitter. Criteria: ACMG Guidelines, 2015. Collection method: clinical testing. Allele origin: germline.

Center for Genomics, Ann and Robert H. Lurie Children's Hospital of Chicago
Classification: Uncertain significance for Intellectual developmental disorder, autosomal dominant 1. Last evaluated: 2021-03-30. Review status: criteria provided, single submitter. Criteria: ACMG Guidelines, 2015. Collection method: clinical testing. Allele origin: germline.
Comment: MBD5 NM_018328.4 exon 9 p.Met321Val (c.961A>G):This variant has not been reported in the literature but is present in 4/126318 European alleles in the Genome Aggregation Database. This variant is present in ClinVar (Variation ID:206065). Evolutionary conservation and computational predictive tools for this variant are unclear. In summary, data on this variant is insufficient for disease classification. Therefore, the clinical significance of this variant is uncertain.

GeneDx
Classification: Likely benign. Last evaluated: 2019-04-29. Review status: criteria provided, single submitter. Criteria: GeneDx Variant Classification Process June 2021. Collection method: clinical testing. Allele origin: germline. Affected: yes.

Ambry Genetics
Classification: Uncertain significance for Inborn genetic diseases. Last evaluated: 2018-12-03. Review status: criteria provided, single submitter. Criteria: Ambry Variant Classification Scheme 2023. Collection method: clinical testing. Allele origin: germline.
Comment: The p.M321V variant (also known as c.961A>G), located in coding exon 4 of the MBD5 gene, results from an A to G substitution at nucleotide position 961. The methionine at codon 321 is replaced by valine, an amino acid with highly similar properties. This amino acid position is well conserved in available vertebrate species. In addition, this alteration is predicted to be tolerated by in silico analysis. Since supporting evidence is limited at this time, the clinical significance of this alteration remains unclear.

NM_001378120.1(MBD5):c.961A>G (p.Met321Val)

Gene: MBD5 (methyl-CpG binding domain protein 5; plus strand). Cytogenetic location: 2q23.1.
Variant type: single nucleotide variant.
Coding change: c.961A>G on transcript NM_001378120.1 (MANE Select); coding-DNA position 961, A replaced by G.
Protein change: p.Met321Val; replaces methionine 321 with valine.
Molecular consequence: missense variant.
Genome position (GRCh38, 1-based): chr2:148,468,904, A>G. VCF-style: chr2-148468904-A-G. GRCh37 (hg19) VCF-style: chr2-149226473-A-G.
Other names: p.M321V:ATG>GTG; c.961A>G, p.Met321Val (NM_018328.5); short protein forms M321V.
Identifiers: ClinVar variation 206065 (VCV000206065.20), dbSNP rs369869865, ClinGen allele CA315786.